The following is an entry in ClinVar:

NM_001040108.2(MLH3):c.728C>T (p.Ala243Val)

Gene: MLH3 (mutL homolog 3; minus strand). Cytogenetic location: 14q24.3.
Variant type: single nucleotide variant.
Coding change: c.728C>T on transcript NM_001040108.2 (MANE Select); coding-DNA position 728, C replaced by T.
Protein change: p.Ala243Val; replaces alanine 243 with valine.
Molecular consequence: missense variant.
Genome position (GRCh38, 1-based): chr14:75,048,928, G>A on the plus strand (C>T on the coding strand, the complement: MLH3 is on the minus strand). VCF-style: chr14-75048928-G-A. GRCh37 (hg19) VCF-style: chr14-75515631-G-A.
Other names: c.728C>T, p.Ala243Val (NM_014381.3); short protein forms A243V.
Identifiers: ClinVar variation 1021637 (VCV001021637.13), dbSNP rs200344425, ClinGen allele CA7275976.

ClinVar aggregate classification (germline): Uncertain significance. Review status: criteria provided, multiple submitters, no conflicts (2 of 4 stars). 2 submissions from 2 submitters: Uncertain significance (2). Last evaluated 2025-08-15.

Conditions:
Colorectal cancer, hereditary nonpolyposis, type 7. Identifiers: Orphanet 144, MedGen C1858380, MONDO:0013725, OMIM 614385.

Allele frequency attached by ClinVar (database versions not stated): gnomAD exomes 0.00001; ExAC 0.00002; gnomAD 0.00005 and 0.00006; TOPMed 0.00013; 1000 Genomes Project 30x 0.00016; 1000 Genomes Project 0.00020.
gnomAD v4.1: 18 of 1,612,940 alleles (0.0011%); highest among the groups gnomAD compares: African/African-American, 0.015%; no homozygotes.

Submissions (2):

Labcorp Genetics (formerly Invitae), Labcorp
Classification: Uncertain significance for Colorectal cancer, hereditary nonpolyposis, type 7. Last evaluated: 2025-08-15. Review status: criteria provided, single submitter. Criteria: Invitae Variant Classification Sherloc (09022015). Collection method: clinical testing. Allele origin: germline.
Comment: This sequence change replaces alanine, which is neutral and non-polar, with valine, which is neutral and non-polar, at codon 243 of the MLH3 protein (p.Ala243Val). This variant is present in population databases (rs200344425, gnomAD 0.004%). This variant has not been reported in the literature in individuals affected with MLH3-related conditions. ClinVar contains an entry for this variant (Variation ID: 1021637). An algorithm developed to predict the effect of missense changes on protein structure and function (PolyPhen-2) suggests that this variant is likely to be disruptive. In summary, the available evidence is currently insufficient to determine the role of this variant in disease. Therefore, it has been classified as a Variant of Uncertain Significance.

Ambry Genetics
Classification: Uncertain significance. Last evaluated: 2025-03-26. Review status: criteria provided, single submitter. Criteria: Ambry Variant Classification Scheme 2023. Collection method: clinical testing. Allele origin: germline.
Comment: The p.A243V variant (also known as c.728C>T), located in coding exon 1 of the MLH3 gene, results from a C to T substitution at nucleotide position 728. The alanine at codon 243 is replaced by valine, an amino acid with similar properties. This amino acid position is highly conserved through mammals but not in all available vertebrate species. In addition, the in silico prediction for this alteration is inconclusive. Since supporting evidence is limited at this time, the clinical significance of this alteration remains unclear.